The following is an entry in ClinVar:

ClinVar aggregate classification (germline): Uncertain significance (1 of 4 stars; one submission).

Submission:

Labcorp Genetics (formerly Invitae), Labcorp
Classification: Uncertain significance. Last evaluated: 2022-09-08. Review status: criteria provided, single submitter. Criteria: Invitae Variant Classification Sherloc (09022015). Collection method: clinical testing. Allele origin: germline.
Comment: In summary, the available evidence is currently insufficient to determine the role of this variant in disease. Therefore, it has been classified as a Variant of Uncertain Significance. Algorithms developed to predict the effect of sequence changes on RNA splicing suggest that this variant may disrupt the consensus splice site. This variant has not been reported in the literature in individuals affected with COL9A3-related conditions. This variant is not present in population databases (gnomAD no frequency). This sequence change affects an acceptor splice site in intron 7 of the COL9A3 gene. However, it is currently unclear if variants that occur in this region of the gene cause disease.

NM_001853.4(COL9A3):c.370-1G>C

Gene: COL9A3 (collagen type IX alpha 3 chain; plus strand). Cytogenetic location: 20q13.33.
Variant type: single nucleotide variant.
Coding change: c.370-1G>C on transcript NM_001853.4 (MANE Select); the canonical splice acceptor site of the intron before coding-DNA position 370, G replaced by C.
Molecular consequence: splice acceptor variant.
Genome position (GRCh38, 1-based): chr20:62,821,756, G>C. VCF-style: chr20-62821756-G-C. GRCh37 (hg19) VCF-style: chr20-61453108-G-C.
Identifiers: ClinVar variation 2029235 (VCV002029235.4), dbSNP rs2516029807, ClinGen allele CA409588383.